The following is an entry in ClinVar:

NM_001358263.1(HK1):c.75+20336T>A

Gene: HK1 (hexokinase 1; plus strand). Cytogenetic location: 10q22.1.
Variant type: single nucleotide variant.
Coding change: c.75+20336T>A on transcript NM_001358263.1 (MANE Plus Clinical); 20336 bases into the intron after coding-DNA position 75, T replaced by A.
Molecular consequence: intron variant. On other transcripts: splice donor variant (1).
Genome position (GRCh38, 1-based): chr10:69,316,016, T>A. VCF-style: chr10-69316016-T-A. GRCh37 (hg19) VCF-style: chr10-71075772-T-A.
Other names: c.27+15155T>A (NM_033500.2); c.168+20336T>A (NM_001322365.2); c.75+20336T>A (NM_033498.3, NM_033497.3, NM_001322364.2); c.60+2T>A (NM_033496.3).
Identifiers: ClinVar variation 1029035 (VCV001029035.4), dbSNP rs769395943, ClinGen allele CA5532170.
Genomic context (GRCh38, chr10:69,316,016, plus strand): 5'-TGGACTGTGAGCACAGCCTGAGTTTGCCCTGTCGAGGTGCTGAGGCCTGGGAGATTGGGG[T>A]GAGTAGCTGTGGTCCAGGGAAGGTTGGCAAGCTGGGCCTTAGATGAGAGGGGATGCTTGG-3'

ClinVar aggregate classification (germline): Conflicting classifications of pathogenicity. Review status: criteria provided, conflicting classifications (1 of 4 stars). 2 submissions from 2 submitters: Uncertain significance (1); Likely benign (1). Last evaluated 2023-05-11.

Conditions:
Hemolytic anemia due to hexokinase deficiency (CNSHA5). Also called: ANEMIA, CONGENITAL, NONSPHEROCYTIC HEMOLYTIC, 5; HEMOLYTIC ANEMIA, NONSPHEROCYTIC, DUE TO HEXOKINASE DEFICIENCY; Hexokinase deficiency hemolytic anemia; Non-spherocytic hemolytic anemia due to hexokinase deficiency. Identifiers: Orphanet 90031, MedGen C3150343, MONDO:0009340, OMIM 235700.

Allele frequency attached by ClinVar (database versions not stated): TOPMed 0.00001; gnomAD exomes below 0.00001 and 0.00001; ExAC 0.00001.
gnomAD v4.1: 4 of 1,612,984 alleles (0.00025%); highest among the groups gnomAD compares: Admixed American, 0.0067%; no homozygotes.

Submissions (2):

ARUP Laboratories, Molecular Genetics and Genomics, ARUP Laboratories
Classification: Likely benign. Last evaluated: 2023-05-11. Review status: criteria provided, single submitter. Criteria: ARUP Molecular Germline Variant Investigation Process 2024. Collection method: clinical testing. Allele origin: germline.

Baylor Genetics
Classification: Uncertain significance for Hemolytic anemia due to hexokinase deficiency. Last evaluated: 2019-04-11. Review status: criteria provided, single submitter. Criteria: ACMG Guidelines, 2015. Collection method: clinical testing. Allele origin: paternal. Affected: yes.
Comment: This variant was determined to be of uncertain significance according to ACMG Guidelines, 2015 [PMID:25741868].